The following is an entry in ClinVar:

ClinVar aggregate classification (germline): Uncertain significance (1 of 4 stars; one submission).

gnomAD v4.1: 6 of 1,599,408 alleles (0.00038%); highest among the groups gnomAD compares: Admixed American, 0.0087%; no homozygotes.

Submission:

GeneDx
Classification: Uncertain significance. Last evaluated: 2024-07-08. Review status: criteria provided, single submitter. Criteria: GeneDx Variant Classification Process June 2021. Collection method: clinical testing. Allele origin: germline. Affected: yes.
Comment: In silico analysis indicates that this missense variant does not alter protein structure/function; Has not been previously published as pathogenic or benign to our knowledge

NM_004817.4(TJP2):c.517G>A (p.Asp173Asn)

Gene: TJP2 (tight junction protein 2; plus strand). Cytogenetic location: 9q21.11.
Variant type: single nucleotide variant.
Coding change: c.517G>A on transcript NM_004817.4 (MANE Select); coding-DNA position 517, G replaced by A.
Protein change: p.Asp173Asn; replaces aspartic acid 173 with asparagine.
Molecular consequence: missense variant.
Genome position (GRCh38, 1-based): chr9:69,221,061, G>A. VCF-style: chr9-69221061-G-A. GRCh37 (hg19) VCF-style: chr9-71835977-G-A.
Other names: c.448G>A, p.Asp150Asn (NM_001170414.2, NM_001369870.1, NM_001369871.1); c.529G>A, p.Asp177Asn (NM_001170415.1, NM_001369874.1, NM_001369875.1); c.610G>A, p.Asp204Asn (NM_001170416.2); c.517G>A, p.Asp173Asn (NM_001369872.1, NM_001369873.1, NM_201629.3); short protein forms D204N, D173N, D177N, D150N.
Identifiers: ClinVar variation 3572604 (VCV003572604.1).
Genomic context (GRCh38, chr9:69,221,061, plus strand): 5'-AGTGGCTACAGCGAGAGGAGCCGGCTGAACAGCCATGGGGGGCGCAGCCGCAGCTGGGAG[G>A]ACAGCCCGGAAAGGGGGCGTCCCCATGAGCGGGCCCGGAGCCGGGAGCGGGACCTCAGCC-3'
Protein context (NP_004808.2, residues 163-183): SHGGRSRSWE[Asp173Asn]SPERGRPHER